The following is an entry in ClinVar:

ClinVar aggregate classification (germline): Uncertain significance (1 of 4 stars; one submission).

Allele frequency attached by ClinVar (database versions not stated): ExAC 0.00001.

Submission:

Labcorp Genetics (formerly Invitae), Labcorp
Classification: Uncertain significance. Last evaluated: 2022-02-28. Review status: criteria provided, single submitter. Criteria: Invitae Variant Classification Sherloc (09022015). Collection method: clinical testing. Allele origin: germline.
Comment: In summary, the available evidence is currently insufficient to determine the role of this variant in disease. Therefore, it has been classified as a Variant of Uncertain Significance. Advanced modeling of protein sequence and biophysical properties (such as structural, functional, and spatial information, amino acid conservation, physicochemical variation, residue mobility, and thermodynamic stability) performed at Invitae indicates that this missense variant is not expected to disrupt PNPT1 protein function. This variant has not been reported in the literature in individuals affected with PNPT1-related conditions. This variant is present in population databases (rs750110394, gnomAD 0.0009%). This sequence change replaces proline, which is neutral and non-polar, with serine, which is neutral and polar, at codon 92 of the PNPT1 protein (p.Pro92Ser).

NM_033109.5(PNPT1):c.274C>T (p.Pro92Ser)

Gene: PNPT1 (polyribonucleotide nucleotidyltransferase 1; minus strand). Cytogenetic location: 2p16.1.
Variant type: single nucleotide variant.
Coding change: c.274C>T on transcript NM_033109.5 (MANE Select); coding-DNA position 274, C replaced by T.
Protein change: p.Pro92Ser; replaces proline 92 with serine.
Molecular consequence: missense variant.
Genome position (GRCh38, 1-based): chr2:55,686,393, G>A on the plus strand (C>T on the coding strand, the complement: PNPT1 is on the minus strand). VCF-style: chr2-55686393-G-A. GRCh37 (hg19) VCF-style: chr2-55913528-G-A.
Other names: short protein forms P92S.
Identifiers: ClinVar variation 2104819 (VCV002104819.4), dbSNP rs750110394, ClinGen allele CA1668568.